The following is an entry in ClinVar:

ClinVar aggregate classification (germline): Uncertain significance. Review status: criteria provided, multiple submitters, no conflicts (2 of 4 stars). 3 submissions from 3 submitters: Uncertain significance (3). Last evaluated 2024-10-17.

Conditions:
Joubert syndrome 21 (JBTS21). Identifiers: MedGen C3810212, MONDO:0014288, OMIM 615636.

Allele frequency attached by ClinVar (database versions not stated): TOPMed 0.00001; gnomAD exomes 0.00002 and 0.00003; ExAC 0.00002.
gnomAD v4.1: 49 of 1,613,578 alleles (0.003%); highest among the groups gnomAD compares: Middle Eastern, 0.016%; no homozygotes.

Submissions (3):

Labcorp Genetics (formerly Invitae), Labcorp
Classification: Uncertain significance for Joubert syndrome 21. Last evaluated: 2024-10-17. Review status: criteria provided, single submitter. Criteria: Invitae Variant Classification Sherloc (09022015). Collection method: clinical testing. Allele origin: germline.
Comment: This sequence change creates a premature translational stop signal (p.Arg1137*) in the CSPP1 gene. While this is not anticipated to result in nonsense mediated decay, it is expected to disrupt the last 85 amino acid(s) of the CSPP1 protein. This variant is present in population databases (rs201261521, gnomAD 0.004%). This variant has not been reported in the literature in individuals affected with CSPP1-related conditions. ClinVar contains an entry for this variant (Variation ID: 1693455). In summary, the available evidence is currently insufficient to determine the role of this variant in disease. Therefore, it has been classified as a Variant of Uncertain Significance.

Blueprint Genetics
Classification: Uncertain significance. Last evaluated: 2024-10-15. Review status: criteria provided, single submitter. Criteria: ACMG Guidelines, 2015. Collection method: clinical testing. Allele origin: germline.

GeneDx
Classification: Uncertain significance. Last evaluated: 2022-01-03. Review status: criteria provided, single submitter. Criteria: GeneDx Variant Classification Process June 2021. Collection method: clinical testing. Allele origin: germline. Affected: yes.
Comment: Nonsense variant predicted to result in protein truncation as the last 85 amino acids are lost, although loss-of-function variants have not been reported downstream of this position in the protein; Not observed at significant frequency in large population cohorts (gnomAD); Has not been previously published as pathogenic or benign to our knowledge

NM_001382391.1(CSPP1):c.3424C>T (p.Arg1142Ter)

Genes: ARFGEF1 (ARF guanine nucleotide exchange factor 1; minus strand), CSPP1 (centrosome and spindle pole associated protein 1; plus strand). Cytogenetic location: 8q13.2.
Variant type: single nucleotide variant.
Coding change: c.3424C>T on transcript NM_001382391.1 (MANE Select); coding-DNA position 3424, C replaced by T.
Protein change: p.Arg1142Ter; replaces arginine 1142 with a stop codon.
Molecular consequence: nonsense. On other transcripts: intron variant (3).
Genome position (GRCh38, 1-based): chr8:67,193,557, C>T. VCF-style: chr8-67193557-C-T. GRCh37 (hg19) VCF-style: chr8-68105792-C-T.
Other names: c.2374C>T, p.Arg792Ter (NM_001291339.2); c.3343C>T, p.Arg1115Ter (NM_001363131.2); c.3229C>T, p.Arg1077Ter (NM_001363132.2); c.3148C>T, p.Arg1050Ter (NM_001363133.2); c.3490C>T, p.Arg1164Ter (NM_001364869.1); c.3310C>T, p.Arg1104Ter (NM_001364870.1); c.3256C>T, p.Arg1086Ter (NM_001438330.1); c.2725C>T, p.Arg909Ter (NM_001438332.1); and 4 more; short protein forms R1050*, R1077*, R1104*, R1115*, R1137*, R1142*, R1164*, R792*.
Identifiers: ClinVar variation 1693455 (VCV001693455.6), dbSNP rs201261521, ClinGen allele CA4771168.